The following is an entry in ClinVar:

ClinVar aggregate classification (germline): Uncertain significance (1 of 4 stars; one submission).

Conditions:
Perlman syndrome (PRLMNS). Identifiers: Orphanet 2849, MedGen C0796113, MONDO:0009965, OMIM 267000.

Submission:

Labcorp Genetics (formerly Invitae), Labcorp
Classification: Uncertain significance for Perlman syndrome. Last evaluated: 2022-01-17. Review status: criteria provided, single submitter. Criteria: Invitae Variant Classification Sherloc (09022015). Collection method: clinical testing. Allele origin: germline.
Comment: In summary, the available evidence is currently insufficient to determine the role of this variant in disease. Therefore, it has been classified as a Variant of Uncertain Significance. Algorithms developed to predict the effect of missense changes on protein structure and function are either unavailable or do not agree on the potential impact of this missense change (SIFT: "Deleterious"; PolyPhen-2: "Probably Damaging"; Align-GVGD: "Class C0"). This variant has not been reported in the literature in individuals affected with DIS3L2-related conditions. This variant is not present in population databases (gnomAD no frequency). This sequence change replaces proline, which is neutral and non-polar, with histidine, which is basic and polar, at codon 567 of the DIS3L2 protein (p.Pro567His).

NM_152383.5(DIS3L2):c.1700C>A (p.Pro567His)

Gene: DIS3L2 (DIS3 like 3'-5' exoribonuclease 2; plus strand). Cytogenetic location: 2q37.1.
Variant type: single nucleotide variant.
Coding change: c.1700C>A on transcript NM_152383.5 (MANE Select); coding-DNA position 1700, C replaced by A.
Protein change: p.Pro567His; replaces proline 567 with histidine.
Molecular consequence: missense variant. On other transcripts: intron variant (1), non-coding transcript variant (2).
Genome position (GRCh38, 1-based): chr2:232,300,080, C>A. VCF-style: chr2-232300080-C-A. GRCh37 (hg19) VCF-style: chr2-233164790-C-A.
Other names: c.1581+36718C>A (NM_001257281.2); short protein forms P567H.
Identifiers: ClinVar variation 1957338 (VCV001957338.5), dbSNP rs2470146047, ClinGen allele CA350978595.
Genomic context (GRCh38, chr2:232,300,080, plus strand): 5'-TCTCTTCTCTCTCTCTTCAGCTAAAGCTTGCTTTCACTCTGGACCACGAGACCGGATTGC[C>A]TCAAGGATGTCATATCTATGAGTACCGCGAGAGCAACAAGTAAGCCACTCAGTGGGAAAG-3'
Protein context (NP_689596.4, residues 557-577): AFTLDHETGL[Pro567His]QGCHIYEYRE